The following is an entry in ClinVar:

ClinVar aggregate classification (germline): Likely benign. Review status: criteria provided, multiple submitters, no conflicts (2 of 4 stars). 2 submissions from 2 submitters: Likely benign (2). Last evaluated 2024-11-24.

Conditions:
BAP1-related tumor predisposition syndrome (TPDS1). Also called: Tumor susceptibility linked to germline BAP1 mutations; BAP1 tumor predisposition syndrome; COMMON Syndrome; TUMOR PREDISPOSITION SYNDROME 1. Identifiers: Orphanet 289539, MedGen C3280492, MONDO:0013692, OMIM 614327.

Submissions (2):

Labcorp Genetics (formerly Invitae), Labcorp
Classification: Likely benign for BAP1-related tumor predisposition syndrome. Last evaluated: 2024-11-24. Review status: criteria provided, single submitter. Criteria: Invitae Variant Classification Sherloc (09022015). Collection method: clinical testing. Allele origin: germline.

Myriad Genetics, Inc.
Classification: Likely benign for BAP1-related tumor predisposition syndrome. Last evaluated: 2024-07-11. Review status: criteria provided, single submitter. Criteria: Myriad Autosomal Dominant, Autosomal Recessive and X-Linked Classification Criteria (2023). Collection method: clinical testing. Allele origin: unknown.
Comment: This variant is considered likely benign. This variant is intronic and is not expected to impact mRNA splicing.

NM_004656.4(BAP1):c.38-15dup

Gene: BAP1 (BRCA1 associated deubiquitinase 1; minus strand). Cytogenetic location: 3p21.1.
Variant type: Duplication.
Coding change: c.38-15dup on transcript NM_004656.4 (MANE Select); 15 bases into the intron before coding-DNA position 38, one base duplicated (T; older notation c.38-15dupT).
Molecular consequence: intron variant.
Genome position (GRCh38, 1-based): chr3:52,409,758, A duplicated on the plus strand (T on the coding strand, the reverse complement: BAP1 is on the minus strand); the first of 2 consecutive A bases (chr3:52,409,758-52,409,759); duplicating either gives the same sequence. VCF-style (leftmost placement, unchanged base first): chr3-52409757-C-CA. GRCh37 (hg19) VCF-style: chr3-52443773-C-CA.
Other names: c.38-15dup (NM_001410772.1).
Identifiers: ClinVar variation 3379182 (VCV003379182.3).